The following is an entry in ClinVar:

ClinVar aggregate classification (germline): Uncertain significance (1 of 4 stars; one submission).

Conditions:
Familial focal epilepsy with variable foci (FPEVF). Identifiers: Orphanet 98820, MedGen C1858477, MONDO:0020310.

gnomAD v4.1: 1 of 1,614,204 alleles (0.000062%); highest among the groups gnomAD compares: Non-Finnish European, 0.000085%; no homozygotes.

Submission:

Labcorp Genetics (formerly Invitae), Labcorp
Classification: Uncertain significance for Familial focal epilepsy with variable foci. Last evaluated: 2023-12-11. Review status: criteria provided, single submitter. Criteria: Invitae Variant Classification Sherloc (09022015). Collection method: clinical testing. Allele origin: germline.
Comment: This sequence change replaces cysteine, which is neutral and slightly polar, with arginine, which is basic and polar, at codon 481 of the DEPDC5 protein (p.Cys481Arg). This variant is not present in population databases (gnomAD no frequency). This variant has not been reported in the literature in individuals affected with DEPDC5-related conditions. ClinVar contains an entry for this variant (Variation ID: 1437572). Experimental studies and prediction algorithms are not available or were not evaluated, and the functional significance of this variant is currently unknown. In summary, the available evidence is currently insufficient to determine the role of this variant in disease. Therefore, it has been classified as a Variant of Uncertain Significance.

NM_001242896.3(DEPDC5):c.1441T>C (p.Cys481Arg)

Gene: DEPDC5 (DEP domain containing 5, GATOR1 subcomplex subunit; plus strand). Cytogenetic location: 22q12.3.
Variant type: single nucleotide variant.
Coding change: c.1441T>C on transcript NM_001242896.3 (MANE Select); coding-DNA position 1441, T replaced by C.
Protein change: p.Cys481Arg; replaces cysteine 481 with arginine.
Molecular consequence: missense variant. On other transcripts: non-coding transcript variant (5).
Genome position (GRCh38, 1-based): chr22:31,810,637, T>C. VCF-style: chr22-31810637-T-C. GRCh37 (hg19) VCF-style: chr22-32206623-T-C.
Other names: c.1441T>C, p.Cys481Arg (NM_001007188.4, NM_001136029.4, NM_001242897.2 and 7 more transcripts); c.1357T>C, p.Cys453Arg (NM_001369901.1, NM_001369902.1); short protein forms C453R, C481R.
Identifiers: ClinVar variation 1437572 (VCV001437572.8), dbSNP rs2148708095, ClinGen allele CA411277079.
Genomic context (GRCh38, chr22:31,810,637, plus strand): 5'-GCCTATGACGCTCAAGTGTTCAGGCTGCCCGGCCCATCCCGGGCCCAGTGCCTCACCACC[T>C]GCAGGTTTTCTGCCAGATTCACTTGGGGGTGCATATAAAAATTGTGTAGGAAAACCTGAA-3'
Protein context (NP_001229825.1, residues 471-491): GPSRAQCLTT[Cys481Arg]RSVRERESHS